The following is an entry in ClinVar:

NM_032861.4(SERAC1):c.440C>T (p.Thr147Met)

Gene: SERAC1 (serine active site containing 1; minus strand). Cytogenetic location: 6q25.3.
Variant type: single nucleotide variant.
Coding change: c.440C>T on transcript NM_032861.4 (MANE Select); coding-DNA position 440, C replaced by T.
Protein change: p.Thr147Met; replaces threonine 147 with methionine.
Molecular consequence: missense variant. On other transcripts: non-coding transcript variant (1).
Genome position (GRCh38, 1-based): chr6:158,146,829, G>A on the plus strand (C>T on the coding strand, the complement: SERAC1 is on the minus strand). VCF-style: chr6-158146829-G-A. GRCh37 (hg19) VCF-style: chr6-158567861-G-A.
Other names: p.Thr147Met; short protein forms T147M.
Identifiers: ClinVar variation 516308 (VCV000516308.37), dbSNP rs114443105, ClinGen allele CA4071369.

ClinVar aggregate classification (germline): Benign/Likely benign. Review status: criteria provided, multiple submitters, no conflicts (2 of 4 stars). 6 submissions from 6 submitters: Benign (4); Likely benign (2). Last evaluated 2025-12-20.

Conditions:
3-methylglutaconic aciduria with deafness, encephalopathy, and Leigh-like syndrome (MEGDEL). Also called: 3-METHYLGLUTACONIC ACIDURIA, TYPE VI; MEGDEL syndrome; SERAC1 Deficiency. Identifiers: Orphanet 352328, MedGen C4040739, MONDO:0013875, OMIM 614739.

Allele frequency attached by ClinVar (database versions not stated): gnomAD exomes 0.00048 and 0.00110; ExAC 0.00143; gnomAD 0.00398 and 0.00411; TOPMed 0.00469; ESP Exome Variant Server 0.00538; 1000 Genomes Project 30x 0.00562; 1000 Genomes Project 0.00599.
gnomAD v4.1: 1,336 of 1,613,934 alleles (0.083%); highest among the groups gnomAD compares: African/African-American, 1.4%; 7 homozygotes.

Submissions (6):

Labcorp Genetics (formerly Invitae), Labcorp
Classification: Benign for 3-methylglutaconic aciduria with deafness, encephalopathy, and Leigh-like syndrome. Last evaluated: 2025-12-20. Review status: criteria provided, single submitter. Criteria: Invitae Variant Classification Sherloc (09022015). Collection method: clinical testing. Allele origin: germline.

CeGaT Center for Human Genetics Tuebingen
Classification: Likely benign. Last evaluated: 2025-12-01. Review status: criteria provided, single submitter. Criteria: CeGaT Center For Human Genetics Tuebingen Variant Classification Criteria Version 2. Collection method: clinical testing. Allele origin: germline. Affected: yes. Observed: 2 variant alleles.
Comment: SERAC1: BP4, BS1

Genome-Nilou Lab
Classification: Benign for 3-methylglutaconic aciduria with deafness, encephalopathy, and Leigh-like syndrome. Last evaluated: 2022-03-15. Review status: criteria provided, single submitter. Criteria: ACMG Guidelines, 2015. Collection method: clinical testing. Allele origin: germline. Affected: no.

Fulgent Genetics
Classification: Likely benign for 3-methylglutaconic aciduria with deafness, encephalopathy, and Leigh-like syndrome. Last evaluated: 2021-10-08. Review status: criteria provided, single submitter. Criteria: ACMG Guidelines, 2015. Collection method: clinical testing. Allele origin: unknown.

Mayo Clinic Laboratories, Mayo Clinic
Classification: Benign. Last evaluated: 2021-01-05. Review status: criteria provided, single submitter. Criteria: ACMG Guidelines, 2015. Collection method: clinical testing. Allele origin: germline. Observed: 5 variant alleles.

GeneDx
Classification: Benign. Last evaluated: 2017-03-15. Review status: criteria provided, single submitter. Criteria: GeneDx Variant Classification (06012015). Collection method: clinical testing. Allele origin: germline. Affected: yes.
Comment: This variant is considered likely benign or benign based on one or more of the following criteria: it is a conservative change, it occurs at a poorly conserved position in the protein, it is predicted to be benign by multiple in silico algorithms, and/or has population frequency not consistent with disease.